The following is an entry in ClinVar:

ClinVar aggregate classification (germline): Uncertain significance. Review status: criteria provided, multiple submitters, no conflicts (2 of 4 stars). 3 submissions from 3 submitters: Uncertain significance (3). Last evaluated 2025-09-21.

Conditions:
Inborn genetic diseases. Identifiers: MedGen C0950123, MeSH D030342.

Allele frequency attached by ClinVar (database versions not stated): gnomAD exomes 0.00001; gnomAD 0.00002; TOPMed 0.00005.

Submissions (3):

Ambry Genetics
Classification: Uncertain significance for Inborn genetic diseases. Last evaluated: 2025-09-21. Review status: criteria provided, single submitter. Criteria: Ambry Variant Classification Scheme 2023. Collection method: clinical testing. Allele origin: germline.

Dasa
Classification: Uncertain significance. Last evaluated: 2025-01-13. Review status: criteria provided, single submitter. Criteria: DASA Assertion Criteria. Collection method: clinical testing. Allele origin: germline.
Comment: NM_004446.3(EPRS):c.3109A>G (p.Met1037Val) is a missense variant that results in the substitution of methionine with valine. This variant is rare in population databases. Computational prediction algorithms are consistent with a benign effect. The currently available literature and clinical evidence are not sufficient to establish a definitive association between this variant and the reported condition. Therefore, this variant is classified as a variant of uncertain significance.

GeneDx
Classification: Uncertain significance. Last evaluated: 2022-03-17. Review status: criteria provided, single submitter. Criteria: GeneDx Variant Classification Process June 2021. Collection method: clinical testing. Allele origin: germline. Affected: yes.
Comment: Not observed at significant frequency in large population cohorts (gnomAD); In silico analysis supports that this missense variant has a deleterious effect on protein structure/function; Has not been previously published as pathogenic or benign to our knowledge; Variants in candidate genes are classified as variants of uncertain significance in accordance with ACMG guidelines (Richards et al., 2015)

NM_004446.3(EPRS1):c.3109A>G (p.Met1037Val)

Gene: EPRS1 (glutamyl-prolyl-tRNA synthetase 1; minus strand). Cytogenetic location: 1q41.
Variant type: single nucleotide variant.
Coding change: c.3109A>G on transcript NM_004446.3 (MANE Select); coding-DNA position 3109, A replaced by G.
Protein change: p.Met1037Val; replaces methionine 1037 with valine.
Molecular consequence: missense variant.
Genome position (GRCh38, 1-based): chr1:219,983,380, T>C on the plus strand (A>G on the coding strand, the complement: EPRS1 is on the minus strand). VCF-style: chr1-219983380-T-C. GRCh37 (hg19) VCF-style: chr1-220156722-T-C.
Other names: short protein forms M1037V.
Identifiers: ClinVar variation 2524759 (VCV002524759.6), dbSNP rs948868936, ClinGen allele CA37541264.